The following is an entry in ClinVar:

ClinVar aggregate classification (germline): Pathogenic. Review status: criteria provided, multiple submitters, no conflicts (2 of 4 stars). 8 submissions from 8 submitters: Pathogenic (5). 3 of the submissions do not count toward it. Last evaluated 2024-04-18.

Conditions:
Niemann-Pick disease, type C (NPC). Identifiers: Orphanet 646, MedGen C0220756, MONDO:0018982.
Niemann-Pick disease, type C2 (NPC2). Identifiers: Orphanet 646, MedGen C1843366, MONDO:0011873, OMIM 607625.

Allele frequency attached by ClinVar (database versions not stated): TOPMed 0.00001.
gnomAD v4.1: 8 of 1,613,972 alleles (0.0005%); highest among the groups gnomAD compares: South Asian, 0.0011%; no homozygotes.

Submissions (8):

Fulgent Genetics
Classification: Pathogenic for Niemann-Pick disease, type C2. Last evaluated: 2024-04-18. Review status: criteria provided, single submitter. Criteria: ACMG Guidelines, 2015. Collection method: clinical testing. Allele origin: germline.

Natera, Inc.
Classification: Pathogenic for Niemann-Pick disease type C2. Last evaluated: 2024-04-11. Review status: criteria provided, single submitter. Criteria: Natera Variant Classification Schema (03/2026). Collection method: clinical testing. Allele origin: germline.
Comment: The c.352G>T variant in NPC2 is a nonsense variant predicted to introduce a stop codon at amino acid 118. This variant is expected to result in nonsense mediated decay, truncation, or a dysfunctional protein product. This variant is rare in the general population with a frequency below the threshold expected for the associated phenotype(s). This variant has been observed in one or more individuals affected with the associated recessive disease, as either homozygous or compound heterozygous with a second variant (PMID: 11567215, 25772320). Given the available evidence, this variant is classified as Pathogenic.

Labcorp Genetics (formerly Invitae), Labcorp
Classification: Pathogenic for Niemann-Pick disease, type C2. Last evaluated: 2024-01-24. Review status: criteria provided, single submitter. Criteria: Invitae Variant Classification Sherloc (09022015). Collection method: clinical testing. Allele origin: germline.
Comment: This sequence change creates a premature translational stop signal (p.Glu118*) in the NPC2 gene. It is expected to result in an absent or disrupted protein product. Loss-of-function variants in NPC2 are known to be pathogenic (PMID: 25145893). This variant is present in population databases (rs80358266, gnomAD 0.0009%). This premature translational stop signal has been observed in individual(s) with Niemann-Pick disease type C (PMID: 11567215, 25772320, 28808920). ClinVar contains an entry for this variant (Variation ID: 8480). For these reasons, this variant has been classified as Pathogenic.

Women's Health and Genetics/Laboratory Corporation of America, LabCorp
Classification: Pathogenic for Niemann-Pick disease, type C. Last evaluated: 2020-12-04. Review status: criteria provided, single submitter. Criteria: LabCorp Variant Classification Summary - May 2015. Collection method: clinical testing. Allele origin: germline.
Comment: Variant summary: NPC2 c.352G>T (p.Glu118X) results in a premature termination codon, predicted to cause a truncation of the encoded protein or absence of the protein due to nonsense mediated decay, which are commonly known mechanisms for disease. The variant allele was found at a frequency of 8e-06 in 251482 control chromosomes (gnomAD). c.352G>T has been reported in the literature in multiple individuals affected with Niemann-Pick Disease Type C (e.g. Millat_2001, Topcu_2017). These data indicate that the variant is very likely to be associated with disease. To our knowledge, no experimental evidence demonstrating an impact on protein function has been reported. Two ClinVar submitters (evaluation after 2014) cite the variant as pathogenic. Based on the evidence outlined above, the variant was classified as pathogenic.

Revvity Omics, Revvity
Classification: Pathogenic for Niemann-Pick disease, type C2. Last evaluated: 2019-03-27. Review status: criteria provided, single submitter. Criteria: ACMG Guidelines, 2015. Collection method: clinical testing. Allele origin: germline.

Counsyl
Classification: Pathogenic for Niemann-Pick disease, type C2. Last evaluated: 2018-01-16. Review status: no assertion criteria provided. Collection method: clinical testing. Allele origin: unknown. Not counted in ClinVar's aggregate classification.

OMIM
Classification: Pathogenic for NIEMANN-PICK DISEASE, TYPE C2. Last evaluated: 2001-11-01. Review status: no assertion criteria provided. Collection method: literature only. Allele origin: germline. Not counted in ClinVar's aggregate classification.

GeneReviews
No classification provided. Condition: Niemann-Pick disease, type C2. Review status: no classification provided. Collection method: literature only. Allele origin: unknown. Not counted in ClinVar's aggregate classification.

Literature cited by the submitters: PubMed 11567215 (cited by 6 submitters); PubMed 25772320 (cited by 3 submitters); PubMed 25145893 (cited by Labcorp Genetics (formerly Invitae), Labcorp); PubMed 28808920 (cited by Labcorp Genetics (formerly Invitae), Labcorp and Women's Health and Genetics/Laboratory Corporation of America, LabCorp); PubMed 23433426 (cited by Counsyl); PubMed 20301473 (cited by GeneReviews); NCBI Bookshelf NBK1296 (cited by GeneReviews).

NM_006432.5(NPC2):c.352G>T (p.Glu118Ter)

Gene: NPC2 (NPC intracellular cholesterol transporter 2; minus strand). Cytogenetic location: 14q24.3.
Variant type: single nucleotide variant.
Coding change: c.352G>T on transcript NM_006432.5 (MANE Select); coding-DNA position 352, G replaced by T.
Protein change: p.Glu118Ter; replaces glutamic acid 118 with a stop codon.
Molecular consequence: nonsense.
Genome position (GRCh38, 1-based): chr14:74,484,426, C>A on the plus strand (G>T on the coding strand, the complement: NPC2 is on the minus strand). VCF-style: chr14-74484426-C-A. GRCh37 (hg19) VCF-style: chr14-74951129-C-A.
Other names: c.352G>T, p.Glu118Ter (NM_001363688.1, NM_001375440.1); short protein forms E118*.
Identifiers: ClinVar variation 8480 (VCV000008480.23), dbSNP rs80358266, ClinGen allele CA340791.
Genomic context (GRCh38, chr14:74,484,426, plus strand): 5'-CTAATCCAGTCCCAAGGCCTCCCGTGTCCTCAATAATGGTATCACTTACAGAGGGATATT[C>A]GCTTTTCACTGGTAGTTTATTCAGGTAGCTATAGGTCTTGTCTTTTTGGATAGGGCAGTT-3'